The following is an entry in ClinVar:

NM_005188.4(CBL):c.851T>C (p.Phe284Ser)

Gene: CBL (Cbl proto-oncogene; plus strand). Cytogenetic location: 11q23.3.
Variant type: single nucleotide variant.
Coding change: c.851T>C on transcript NM_005188.4 (MANE Select); coding-DNA position 851, T replaced by C.
Protein change: p.Phe284Ser; replaces phenylalanine 284 with serine.
Molecular consequence: missense variant.
Genome position (GRCh38, 1-based): chr11:119,274,935, T>C. VCF-style: chr11-119274935-T-C. GRCh37 (hg19) VCF-style: chr11-119145645-T-C.
Other names: short protein forms F284S.
Identifiers: ClinVar variation 2744879 (VCV002744879.3), dbSNP rs778856115, ClinGen allele CA6318351.

ClinVar aggregate classification (germline): Uncertain significance (1 of 4 stars; one submission).

Conditions:
RASopathy. Also called: rasopathies; Noonan spectrum disorder. Identifiers: Orphanet 536391, MedGen C5555857, MONDO:0021060.

Allele frequency attached by ClinVar (database versions not stated): ExAC 0.00001.

Submission:

Labcorp Genetics (formerly Invitae), Labcorp
Classification: Uncertain significance for RASopathy. Last evaluated: 2023-07-19. Review status: criteria provided, single submitter. Criteria: Invitae Variant Classification Sherloc (09022015). Collection method: clinical testing. Allele origin: germline.
Comment: This sequence change replaces phenylalanine, which is neutral and non-polar, with serine, which is neutral and polar, at codon 284 of the CBL protein (p.Phe284Ser). This variant is present in population databases (rs778856115, gnomAD 0.006%). In summary, the available evidence is currently insufficient to determine the role of this variant in disease. Therefore, it has been classified as a Variant of Uncertain Significance. Advanced modeling of protein sequence and biophysical properties (such as structural, functional, and spatial information, amino acid conservation, physicochemical variation, residue mobility, and thermodynamic stability) has been performed at Invitae for this missense variant, however the output from this modeling did not meet the statistical confidence thresholds required to predict the impact of this variant on CBL protein function. This variant has not been reported in the literature in individuals affected with CBL-related conditions.